The following is an entry in ClinVar:

NM_005257.6(GATA6):c.233T>C (p.Leu78Pro)

Gene: GATA6 (GATA binding protein 6; plus strand). Cytogenetic location: 18q11.2.
Variant type: single nucleotide variant.
Coding change: c.233T>C on transcript NM_005257.6 (MANE Select); coding-DNA position 233, T replaced by C.
Protein change: p.Leu78Pro; replaces leucine 78 with proline.
Molecular consequence: missense variant.
Genome position (GRCh38, 1-based): chr18:22,171,377, T>C. VCF-style: chr18-22171377-T-C. GRCh37 (hg19) VCF-style: chr18-19751338-T-C.
Other names: short protein forms L78P.
Identifiers: ClinVar variation 540134 (VCV000540134.5), dbSNP rs1253034411, ClinGen allele CA401799135.

ClinVar aggregate classification (germline): Uncertain significance. Review status: criteria provided, multiple submitters, no conflicts (2 of 4 stars). 2 submissions from 2 submitters: Uncertain significance (2). Last evaluated 2024-04-18.

Conditions:
Atrial septal defect 9 (ASD9). Identifiers: Orphanet 1478, MedGen C3280943, MONDO:0013770, OMIM 614475.
Conotruncal heart malformations (CTHM). Also called: Conotruncal heart malformations, variable. Identifiers: Orphanet 2445, Orphanet 3384, Orphanet 3426, MedGen C1857586, MONDO:0016581, OMIM 217095.
Heart defects, congenital, and other congenital anomalies. Also called: PANCREATIC HYPOPLASIA, CONGENITAL, WITH DIABETES MELLITUS AND CONGENITAL HEART DISEASE; Pancreatic hypoplasia-diabetes-congenital heart disease syndrome. Identifiers: Orphanet 2255, MedGen C2931296, MONDO:0010802, OMIM 600001.
Tetralogy of Fallot (TOF). Identifiers: Orphanet 3303, MedGen C0039685, MONDO:0008542, OMIM 187500, HP:0001636.
Atrioventricular septal defect 5 (AVSD5). Identifiers: MedGen C3280939, MONDO:0013769, OMIM 614474.

Allele frequency attached by ClinVar (database versions not stated): TOPMed 0.00001; gnomAD exomes 0.00003.

Submissions (2):

Labcorp Genetics (formerly Invitae), Labcorp
Classification: Uncertain significance for Atrioventricular septal defect 5. Last evaluated: 2024-04-18. Review status: criteria provided, single submitter. Criteria: Invitae Variant Classification Sherloc (09022015). Collection method: clinical testing. Allele origin: germline.
Comment: This sequence change replaces leucine, which is neutral and non-polar, with proline, which is neutral and non-polar, at codon 78 of the GATA6 protein (p.Leu78Pro). This variant is not present in population databases (gnomAD no frequency). This variant has not been reported in the literature in individuals affected with GATA6-related conditions. ClinVar contains an entry for this variant (Variation ID: 540134). An algorithm developed to predict the effect of missense changes on protein structure and function (PolyPhen-2) suggests that this variant is likely to be disruptive. In summary, the available evidence is currently insufficient to determine the role of this variant in disease. Therefore, it has been classified as a Variant of Uncertain Significance.

Fulgent Genetics
Classification: Uncertain significance for Tetralogy of Fallot; Conotruncal heart malformations; Heart defects, congenital, and other congenital anomalies; Atrioventricular septal defect 5; Atrial septal defect 9. Last evaluated: 2018-10-31. Review status: criteria provided, single submitter. Criteria: ACMG Guidelines, 2015. Collection method: clinical testing. Allele origin: unknown.